The following is an entry in ClinVar:

NM_006118.4(HAX1):c.266A>G (p.Asn89Ser)

Gene: HAX1 (HCLS1 associated protein X-1; plus strand). Cytogenetic location: 1q21.3.
Variant type: single nucleotide variant.
Coding change: c.266A>G on transcript NM_006118.4 (MANE Select); coding-DNA position 266, A replaced by G.
Protein change: p.Asn89Ser; replaces asparagine 89 with serine.
Molecular consequence: missense variant.
Genome position (GRCh38, 1-based): chr1:154,273,548, A>G. VCF-style: chr1-154273548-A-G. GRCh37 (hg19) VCF-style: chr1-154246024-A-G.
Other names: c.122A>G, p.Asn41Ser (NM_001018837.2); short protein forms N89S, N41S.
Identifiers: ClinVar variation 4033838 (VCV004033838.1).

ClinVar aggregate classification (germline): Uncertain significance (1 of 4 stars; one submission).

Conditions:
Inborn genetic diseases. Identifiers: MedGen C0950123, MeSH D030342.

gnomAD v4.1: 8 of 1,614,072 alleles (0.0005%); highest among the groups gnomAD compares: African/African-American, 0.0013%; no homozygotes.

Submission:

Ambry Genetics
Classification: Uncertain significance for Inborn genetic diseases. Last evaluated: 2025-04-05. Review status: criteria provided, single submitter. Criteria: Ambry Variant Classification Scheme 2023. Collection method: clinical testing. Allele origin: germline.
Comment: The p.N89S variant (also known as c.266A>G), located in coding exon 2 of the HAX1 gene, results from an A to G substitution at nucleotide position 266. The asparagine at codon 89 is replaced by serine, an amino acid with highly similar properties. This amino acid position is conserved. In addition, this alteration is predicted to be tolerated by in silico analysis. Based on the available evidence, the clinical significance of this variant remains unclear.